The following is an entry in ClinVar:

ClinVar aggregate classification (germline): Conflicting classifications of pathogenicity. Review status: criteria provided, conflicting classifications (1 of 4 stars). 6 submissions from 6 submitters: Uncertain significance (4); Likely benign (1). 1 of the submissions does not count toward it. Last evaluated 2026-04-01.

Conditions:
PCDH15-related disorder. Also called: PCDH15-related disorders; PCDH15-related condition.
Usher syndrome type 1F (USH1F). Also called: USHER SYNDROME, TYPE IF. Identifiers: Orphanet 231169, Orphanet 886, MedGen C1865885, MONDO:0011186, OMIM 602083.
Inborn genetic diseases. Identifiers: MedGen C0950123, MeSH D030342.

Allele frequency attached by ClinVar (database versions not stated): gnomAD 0.00003; ExAC 0.00004; gnomAD exomes 0.00004 and 0.00011; TOPMed 0.00004.
gnomAD v4.1: 156 of 1,613,338 alleles (0.0097%); highest among the groups gnomAD compares: Non-Finnish European, 0.013%; no homozygotes.

Submissions (6):

CeGaT Center for Human Genetics Tuebingen
Classification: Likely benign. Last evaluated: 2026-04-01. Review status: criteria provided, single submitter. Criteria: CeGaT Center For Human Genetics Tuebingen Variant Classification Criteria Version 2. Collection method: clinical testing. Allele origin: germline. Affected: yes. Observed: 1 variant allele.
Comment: PCDH15: BP4

PreventionGenetics, part of Exact Sciences
Classification: Uncertain significance for PCDH15-related condition. Last evaluated: 2026-01-26. Review status: criteria provided, single submitter. Criteria: ACMG Guidelines, 2015. Collection method: clinical testing. Allele origin: germline.
Comment: The PCDH15 c.1327C>G variant is predicted to result in the amino acid substitution p.Leu443Val. To our knowledge, this variant has not been reported in the literature. This variant is reported in 0.0088% of alleles in individuals of European (Non-Finnish) descent in gnomAD. At this time, the clinical significance of this variant is uncertain due to the absence of conclusive functional and genetic evidence.

Labcorp Genetics (formerly Invitae), Labcorp
Classification: Uncertain significance. Last evaluated: 2025-01-24. Review status: criteria provided, single submitter. Criteria: Invitae Variant Classification Sherloc (09022015). Collection method: clinical testing. Allele origin: germline.
Comment: This sequence change replaces leucine, which is neutral and non-polar, with valine, which is neutral and non-polar, at codon 443 of the PCDH15 protein (p.Leu443Val). This variant is present in population databases (rs779957406, gnomAD 0.009%). This variant has not been reported in the literature in individuals affected with PCDH15-related conditions. ClinVar contains an entry for this variant (Variation ID: 990889). Invitae Evidence Modeling of protein sequence and biophysical properties (such as structural, functional, and spatial information, amino acid conservation, physicochemical variation, residue mobility, and thermodynamic stability) indicates that this missense variant is not expected to disrupt PCDH15 protein function with a negative predictive value of 95%. In summary, the available evidence is currently insufficient to determine the role of this variant in disease. Therefore, it has been classified as a Variant of Uncertain Significance.

Ambry Genetics
Classification: Uncertain significance for Inborn genetic diseases. Last evaluated: 2024-05-10. Review status: criteria provided, single submitter. Criteria: Ambry Variant Classification Scheme 2023. Collection method: clinical testing. Allele origin: germline.

Blueprint Genetics
Classification: Uncertain significance. Last evaluated: 2023-04-18. Review status: criteria provided, single submitter. Criteria: ACMG Guidelines, 2015. Collection method: clinical testing. Allele origin: germline.

Natera, Inc.
Classification: Uncertain significance for Usher syndrome type 1F. Last evaluated: 2020-04-10. Review status: no assertion criteria provided. Collection method: clinical testing. Allele origin: germline. Not counted in ClinVar's aggregate classification.

NM_001384140.1(PCDH15):c.1327C>G (p.Leu443Val)

Gene: PCDH15 (protocadherin related 15; minus strand). Cytogenetic location: 10q21.1.
Variant type: single nucleotide variant.
Coding change: c.1327C>G on transcript NM_001384140.1 (MANE Select); coding-DNA position 1327, C replaced by G.
Protein change: p.Leu443Val; replaces leucine 443 with valine.
Molecular consequence: missense variant.
Genome position (GRCh38, 1-based): chr10:54,185,247, G>C on the plus strand (C>G on the coding strand, the complement: PCDH15 is on the minus strand). VCF-style: chr10-54185247-G-C. GRCh37 (hg19) VCF-style: chr10-55945007-G-C.
Other names: c.1327C>G (NM_033056.3); c.1342C>G, p.Leu448Val (NM_001142763.2, NM_001142771.2); c.1327C>G, p.Leu443Val (NM_001142764.2, NM_001142765.2, NM_001142766.2 and 6 more transcripts); c.1216C>G, p.Leu406Val (NM_001142767.2); c.1261C>G, p.Leu421Val (NM_001142768.2, NM_001142773.2, NM_001354404.2); c.1363C>G, p.Leu455Val (NM_001142769.4); c.1348C>G, p.Leu450Val (NM_001354411.2); short protein forms L406V, L421V, L443V, L448V, L450V, L455V.
Identifiers: ClinVar variation 990889 (VCV000990889.9), dbSNP rs779957406, ClinGen allele CA5506408.